The following is an entry in ClinVar:

NM_001164508.2(NEB):c.24619C>A (p.Pro8207Thr)

Genes: NEB (nebulin; minus strand), RIF1 (replication timing regulatory factor 1; plus strand). Cytogenetic location: 2q23.3.
Variant type: single nucleotide variant.
Coding change: c.24619C>A on transcript NM_001164508.2 (MANE Select); coding-DNA position 24619, C replaced by A.
Protein change: p.Pro8207Thr; replaces proline 8207 with threonine.
Molecular consequence: missense variant.
Genome position (GRCh38, 1-based): chr2:151,493,828, G>T on the plus strand (C>A on the coding strand, the complement: NEB is on the minus strand). VCF-style: chr2-151493828-G-T. GRCh37 (hg19) VCF-style: chr2-152350342-G-T.
Other names: c.24619C>A, p.Pro8207Thr (NM_001164507.2); c.24724C>A, p.Pro8242Thr (NM_001271208.2); c.19051C>A, p.Pro6351Thr (NM_004543.5); short protein forms P8242T, P6351T, P8207T.
Identifiers: ClinVar variation 2038440 (VCV002038440.1), dbSNP rs1257342849, ClinGen allele CA348775528.

ClinVar aggregate classification (germline): Uncertain significance (1 of 4 stars; one submission).

Conditions:
Nemaline myopathy 2 (NEM2). Also called: Nemaline myopathy 2, autosomal recessive. Identifiers: MedGen C1850569, MONDO:0009725, OMIM 256030.

Submission:

Labcorp Genetics (formerly Invitae), Labcorp
Classification: Uncertain significance for Nemaline myopathy 2. Last evaluated: 2021-12-28. Review status: criteria provided, single submitter. Criteria: Invitae Variant Classification Sherloc (09022015). Collection method: clinical testing. Allele origin: germline.
Comment: This sequence change replaces proline, which is neutral and non-polar, with threonine, which is neutral and polar, at codon 8242 of the NEB protein (p.Pro8242Thr). This variant is not present in population databases (gnomAD no frequency). This variant has not been reported in the literature in individuals affected with NEB-related conditions. Algorithms developed to predict the effect of missense changes on protein structure and function are either unavailable or do not agree on the potential impact of this missense change (SIFT: "Deleterious"; PolyPhen-2: "Not Available"; Align-GVGD: "Class C0"). In summary, the available evidence is currently insufficient to determine the role of this variant in disease. Therefore, it has been classified as a Variant of Uncertain Significance.